The following is an entry in ClinVar:

NM_000038.6(APC):c.4949A>G (p.Asn1650Ser)

Gene: APC (APC regulator of Wnt signaling pathway; plus strand). Cytogenetic location: 5q22.2.
Variant type: single nucleotide variant.
Coding change: c.4949A>G on transcript NM_000038.6 (MANE Select); coding-DNA position 4949, A replaced by G.
Protein change: p.Asn1650Ser; replaces asparagine 1650 with serine.
Molecular consequence: missense variant.
Genome position (GRCh38, 1-based): chr5:112,840,543, A>G. VCF-style: chr5-112840543-A-G. GRCh37 (hg19) VCF-style: chr5-112176240-A-G.
Other names: c.4949A>G, p.Asn1650Ser (NM_001127510.3, NM_001354895.2); c.4895A>G, p.Asn1632Ser (NM_001127511.3); c.5003A>G, p.Asn1668Ser (NM_001354896.2); c.4979A>G, p.Asn1660Ser (NM_001354897.2); c.4874A>G, p.Asn1625Ser (NM_001354898.2); c.4865A>G, p.Asn1622Ser (NM_001354899.2); c.4826A>G, p.Asn1609Ser (NM_001354900.2); c.4772A>G, p.Asn1591Ser (NM_001354901.2); and 5 more; short protein forms N1367S, N1490S, N1524S, N1549S, N1559S, N1591S, N1609S, N1622S.
Identifiers: ClinVar variation 1051201 (VCV001051201.51), dbSNP rs773672742, ClinGen allele CA040262.
Genomic context (GRCh38, chr5:112,840,543, plus strand): 5'-TTAGTTTTACACCGGGGGATGATATGCCACGGGTGTATTGTGTTGAAGGGACACCTATAA[A>G]CTTTTCCACAGCTACATCTCTAAGTGATCTAACAATCGAATCCCCTCCAAATGAGTTAGC-3'
Protein context (NP_000029.2, residues 1640-1660): RVYCVEGTPI[Asn1650Ser]FSTATSLSDL

ClinVar aggregate classification (germline): Uncertain significance. Review status: criteria provided, multiple submitters, no conflicts (2 of 4 stars). 2 submissions from 2 submitters: Uncertain significance (2). Last evaluated 2025-05-12.

Conditions:
Hereditary cancer-predisposing syndrome. Also called: Tumor predisposition; Hereditary neoplastic syndrome; Hereditary Cancer Syndrome; Neoplastic Syndromes, Hereditary. Identifiers: Orphanet 140162, MedGen C0027672, MeSH D009386, MONDO:0015356.
Familial adenomatous polyposis 1 (FAP1). Also called: POLYPOSIS, ADENOMATOUS INTESTINAL; FAMILIAL ADENOMATOUS POLYPOSIS 1, ATTENUATED. Identifiers: MedGen C2713442, MONDO:0021056, OMIM 175100. Disease mechanism: loss of function.

Allele frequency attached by ClinVar (database versions not stated): gnomAD exomes below 0.00001; ExAC 0.00001.
gnomAD v4.1: 6 of 1,614,110 alleles (0.00037%); highest among the groups gnomAD compares: Non-Finnish European, 0.00051%; no homozygotes.

Submissions (2):

Ambry Genetics
Classification: Uncertain significance for Hereditary cancer-predisposing syndrome. Last evaluated: 2025-05-12. Review status: criteria provided, single submitter. Criteria: Ambry Variant Classification Scheme 2023. Collection method: clinical testing. Allele origin: germline.
Comment: The p.N1650S variant (also known as c.4949A>G), located in coding exon 15 of the APC gene, results from an A to G substitution at nucleotide position 4949. The asparagine at codon 1650 is replaced by serine, an amino acid with highly similar properties. This amino acid position is highly conserved in available vertebrate species. In addition, in silico predictors for this gene do not accurately predict pathogenicity. Missense alterations in APC are not a common cause of disease (Spier I et al. Genet Med. 2024 Feb;26(2):100992). Based on the available evidence, the clinical significance of this variant remains unclear.

Labcorp Genetics (formerly Invitae), Labcorp
Classification: Uncertain significance for Familial adenomatous polyposis 1. Last evaluated: 2024-03-02. Review status: criteria provided, single submitter. Criteria: Invitae Variant Classification Sherloc (09022015). Collection method: clinical testing. Allele origin: germline.
Comment: This sequence change replaces asparagine, which is neutral and polar, with serine, which is neutral and polar, at codon 1650 of the APC protein (p.Asn1650Ser). This variant is present in population databases (rs773672742, gnomAD 0.0009%). This variant has not been reported in the literature in individuals affected with APC-related conditions. ClinVar contains an entry for this variant (Variation ID: 1051201). Advanced modeling of protein sequence and biophysical properties (such as structural, functional, and spatial information, amino acid conservation, physicochemical variation, residue mobility, and thermodynamic stability) performed at Invitae indicates that this missense variant is not expected to disrupt APC protein function with a negative predictive value of 95%. In summary, the available evidence is currently insufficient to determine the role of this variant in disease. Therefore, it has been classified as a Variant of Uncertain Significance.